The following is an entry in ClinVar:

NM_000191.3(HMGCL):c.2T>C (p.Met1Thr)

Gene: HMGCL (3-hydroxy-3-methylglutaryl-CoA lyase; minus strand). Cytogenetic location: 1p36.11.
Variant type: single nucleotide variant.
Coding change: c.2T>C on transcript NM_000191.3 (MANE Select); coding-DNA position 2, T replaced by C.
Protein change: p.Met1Thr; changes the start codon (methionine 1).
Molecular consequence: missense variant, initiator codon variant.
Genome position (GRCh38, 1-based): chr1:23,825,414, A>G on the plus strand (T>C on the coding strand, the complement: HMGCL is on the minus strand). VCF-style: chr1-23825414-A-G. GRCh37 (hg19) VCF-style: chr1-24151904-A-G.
Other names: c.2T>C, p.Met1Thr (NM_001166059.2); short protein forms M1T.
Identifiers: ClinVar variation 1462646 (VCV001462646.6), dbSNP rs2148428492, ClinGen allele CA339031319.
Genomic context (GRCh38, chr1:23,825,414, plus strand): 5'-ACAGCCCGGAGGGACGCCAAGCCCACCAGTCGCCGCGGAAGCGCCTTCCTCATTGCTGCC[A>G]TCTTGGCCCAGAATCCCCCGCGGCAGTCCAGCTGGGCCCCGCGTGACCGATGGCTCGTCT-3'
Protein context (NP_000182.2, residues 1-11): [Met1Thr]AAMRKALPRR

ClinVar aggregate classification (germline): Uncertain significance (1 of 4 stars; one submission).

Conditions:
Deficiency of hydroxymethylglutaryl-CoA lyase (HMGCLD). Also called: HMGCL DEFICIENCY; HYDROXYMETHYLGLUTARIC ACIDURIA; Defect in leucine metabolism; 3-hydroxy-3-methylglutaric aciduria; HMG-CoA LYASE DEFICIENCY. Identifiers: Orphanet 20, MedGen C1533587, MONDO:0009520, OMIM 246450.

Submission:

Labcorp Genetics (formerly Invitae), Labcorp
Classification: Uncertain significance for Deficiency of hydroxymethylglutaryl-CoA lyase. Last evaluated: 2025-03-10. Review status: criteria provided, single submitter. Criteria: Invitae Variant Classification Sherloc (09022015). Collection method: clinical testing. Allele origin: germline.
Comment: This sequence change affects the initiator methionine of the HMGCL mRNA. The next in-frame methionine is located at codon 4. This variant is not present in population databases (gnomAD no frequency). This variant has not been reported in the literature in individuals affected with HMGCL-related conditions. ClinVar contains an entry for this variant (Variation ID: 1462646). Experimental studies and prediction algorithms are not available or were not evaluated, and the functional significance of this variant is currently unknown. In summary, the available evidence is currently insufficient to determine the role of this variant in disease. Therefore, it has been classified as a Variant of Uncertain Significance.